The following is an entry in ClinVar:

ClinVar aggregate classification (germline): Benign/Likely benign. Review status: criteria provided, multiple submitters, no conflicts (2 of 4 stars). 4 submissions from 4 submitters: Benign (1); Likely benign (3). Last evaluated 2025-12-20.

Conditions:
Familial cancer of breast. Also called: Hereditary breast cancer; BREAST CANCER, FAMILIAL; hereditary breast carcinoma. Identifiers: Orphanet 227535, MedGen C0346153, MONDO:0016419, OMIM 114480. Disease mechanism: loss of function.
Hereditary cancer-predisposing syndrome. Also called: Neoplastic Syndromes, Hereditary; Hereditary neoplastic syndrome; Tumor predisposition; Hereditary Cancer Syndrome. Identifiers: Orphanet 140162, MedGen C0027672, MeSH D009386, MONDO:0015356.

Submissions (4):

Ambry Genetics
Classification: Likely benign for Hereditary cancer-predisposing syndrome. Last evaluated: 2025-12-20. Review status: criteria provided, single submitter. Criteria: Ambry Variant Classification Scheme 2023. Collection method: clinical testing. Allele origin: germline.

Myriad Genetics, Inc.
Classification: Benign for Familial cancer of breast. Last evaluated: 2025-01-13. Review status: criteria provided, single submitter. Criteria: Myriad Autosomal Dominant, Autosomal Recessive and X-Linked Classification Criteria (2023). Collection method: clinical testing. Allele origin: unknown.
Comment: This variant is considered benign. This variant is a silent/synonymous amino acid change and it is not expected to impact splicing.

Labcorp Genetics (formerly Invitae), Labcorp
Classification: Likely benign for Familial cancer of breast. Last evaluated: 2024-09-12. Review status: criteria provided, single submitter. Criteria: Invitae Variant Classification Sherloc (09022015). Collection method: clinical testing. Allele origin: germline.

Color Diagnostics, LLC DBA Color Health
Classification: Likely benign for Hereditary cancer-predisposing syndrome. Last evaluated: 2018-03-22. Review status: criteria provided, single submitter. Criteria: ACMG Guidelines, 2015. Collection method: clinical testing. Allele origin: germline.

NM_024675.4(PALB2):c.943C>T (p.Leu315=)

Gene: PALB2 (partner and localizer of BRCA2; minus strand). Cytogenetic location: 16p12.2.
Variant type: single nucleotide variant.
Coding change: c.943C>T on transcript NM_024675.4 (MANE Select); coding-DNA position 943, C replaced by T.
Protein change: p.Leu315=; no amino-acid change (leucine 315 retained).
Molecular consequence: synonymous variant.
Genome position (GRCh38, 1-based): chr16:23,635,603, G>A on the plus strand (C>T on the coding strand, the complement: PALB2 is on the minus strand). VCF-style: chr16-23635603-G-A. GRCh37 (hg19) VCF-style: chr16-23646924-G-A.
Identifiers: ClinVar variation 627990 (VCV000627990.6), dbSNP rs1567221961, ClinGen allele CA494461892.